The following is an entry in ClinVar:

ClinVar aggregate classification (germline): Pathogenic/Likely pathogenic. Review status: criteria provided, multiple submitters, no conflicts (2 of 4 stars). 3 submissions from 3 submitters: Pathogenic (2); Likely pathogenic (1). Last evaluated 2023-06-08.

Conditions:
Arrhythmogenic right ventricular cardiomyopathy (ARVD). Also called: Arrhythmogenic Right Ventricular Cardiomyopathy (ARVC); Cardiomyopathy, ARVC; Arrhythmogenic cardiomyopathy; Arrhythmogenic right ventricular dysplasia. Identifiers: Orphanet 247, MedGen C0349788, MeSH D019571, MONDO:0016587. Disease mechanism: loss of function. Inheritance: Various modes of inheritance.
Cardiomyopathy (CMYO). Also called: Cardiomyopathies. Identifiers: Orphanet 167848, MedGen C0878544, MONDO:0004994, HP:0001638. Inheritance: Various modes of inheritance.

Submissions (3):

All of Us Research Program, National Institutes of Health
Classification: Pathogenic for Arrhythmogenic right ventricular cardiomyopathy. Last evaluated: 2023-06-08. Review status: criteria provided, single submitter. Criteria: ACMG Guidelines, 2015. Collection method: clinical testing. Allele origin: germline. Inheritance: Autosomal dominant inheritance. Observed: 1 variant allele, 1 heterozygote.
Comment: This variant changes 1 nucleotide in exon 9 of the PKP2 gene, creating a premature translation stop signal. This variant is expected to result in an absent or non-functional protein product. A functional study with epicardial cells derived from induced human pluripotent stem cells from a carrier individual has shown that this variant results in the loss of expression of PKP2 in both mRNA and protein levels when compared to the isogenic control cell line generated by targeted gene correction (PMID: 34550725). This variant has been reported in at least two unrelated individuals affected with arrhythmogenic cardiomyopathy (PMID: 24920660, 25820315, 26850880, 28588093, 32294163). This variant has not been identified in the general population by the Genome Aggregation Database (gnomAD). Loss of PKP2 function is a known mechanism of disease. Based on the available evidence, this variant is classified as Pathogenic.

This study involves interpretation of variants in research participants for the purpose of population health screening. Participant phenotype was not available at the time of variant classification. Additional details can be found in publication PMID: 35346344, PMCID: PMC8962531

Color Diagnostics, LLC DBA Color Health
Classification: Pathogenic for Cardiomyopathy. Last evaluated: 2023-03-08. Review status: criteria provided, single submitter. Criteria: ACMG Guidelines, 2015. Collection method: clinical testing. Allele origin: germline.
Comment: This variant changes 1 nucleotide in exon 9 of the PKP2 gene, creating a premature translation stop signal. This variant is expected to result in an absent or non-functional protein product. A functional study with epicardial cells derived from induced human pluripotent stem cells from a carrier individual has shown that this variant results in the loss of expression of PKP2 in both mRNA and protein levels when compared to the isogenic control cell line generated by targeted gene correction (PMID: 34550725). This variant has been reported in at least two unrelated individuals affected with arrhythmogenic cardiomyopathy (PMID: 24920660, 25820315, 26850880, 28588093, 32294163). This variant has not been identified in the general population by the Genome Aggregation Database (gnomAD). Loss of PKP2 function is a known mechanism of disease. Based on the available evidence, this variant is classified as Pathogenic.

Stanford Center for Inherited Cardiovascular Disease, Stanford University
Classification: Likely pathogenic. Last evaluated: 2011-08-01. Review status: criteria provided, single submitter. Criteria: ACMG Guidelines, 2015. Collection method: provider interpretation. Allele origin: germline.

Literature cited by the submitters: PubMed 24920660 (cited by All of Us Research Program, National Institutes of Health and Color Diagnostics, LLC DBA Color Health); PubMed 25820315 (cited by All of Us Research Program, National Institutes of Health and Color Diagnostics, LLC DBA Color Health); PubMed 26850880 (cited by All of Us Research Program, National Institutes of Health and Color Diagnostics, LLC DBA Color Health); PubMed 28588093 (cited by All of Us Research Program, National Institutes of Health and Color Diagnostics, LLC DBA Color Health); PubMed 32294163 (cited by All of Us Research Program, National Institutes of Health and Color Diagnostics, LLC DBA Color Health); PubMed 34550725 (cited by All of Us Research Program, National Institutes of Health and Color Diagnostics, LLC DBA Color Health).

NM_001005242.3(PKP2):c.1717C>T (p.Gln573Ter)

Gene: PKP2 (plakophilin 2; minus strand). Cytogenetic location: 12p11.21.
Variant type: single nucleotide variant.
Coding change: c.1717C>T on transcript NM_001005242.3 (MANE Select); coding-DNA position 1717, C replaced by T.
Protein change: p.Gln573Ter; replaces glutamine 573 with a stop codon.
Molecular consequence: nonsense.
Genome position (GRCh38, 1-based): chr12:32,822,589, G>A on the plus strand (C>T on the coding strand, the complement: PKP2 is on the minus strand). VCF-style: chr12-32822589-G-A. GRCh37 (hg19) VCF-style: chr12-32975523-G-A.
Other names: c.1849C>T, p.Gln617Ter (NM_004572.4); short protein forms Q617*, Q573*.
Identifiers: ClinVar variation 201997 (VCV000201997.6), dbSNP rs201405287, ClinGen allele CA011502.